The following is an entry in ClinVar:

NM_032043.3(BRIP1):c.664A>T (p.Lys222Ter)

Gene: BRIP1 (BRCA1 interacting DNA helicase 1; minus strand). Cytogenetic location: 17q23.2.
Variant type: single nucleotide variant.
Coding change: c.664A>T on transcript NM_032043.3 (MANE Select); coding-DNA position 664, A replaced by T.
Protein change: p.Lys222Ter; replaces lysine 222 with a stop codon.
Molecular consequence: nonsense.
Genome position (GRCh38, 1-based): chr17:61,808,721, T>A on the plus strand (A>T on the coding strand, the complement: BRIP1 is on the minus strand). VCF-style: chr17-61808721-T-A. GRCh37 (hg19) VCF-style: chr17-59886082-T-A.
Other names: short protein forms K222*.
Identifiers: ClinVar variation 826532 (VCV000826532.15), dbSNP rs1603346983, ClinGen allele CA400485178.

ClinVar aggregate classification (germline): Pathogenic/Likely pathogenic. Review status: criteria provided, multiple submitters, no conflicts (2 of 4 stars). 4 submissions from 4 submitters: Pathogenic (2); Likely pathogenic (2). Last evaluated 2026-01-20.

Conditions:
Hereditary breast ovarian cancer syndrome. Also called: Hereditary breast and ovarian cancer syndrome; BRCA1- and BRCA2-Associated Hereditary Breast and Ovarian Cancer; Hereditary breast and ovarian cancer; Hereditary breast and ovarian cancer syndrome (HBOC); Hereditary breast and/or ovarian cancer syndrome; Breast and ovarian cancer. Identifiers: Orphanet 145, MedGen C0677776, MeSH D061325, MONDO:0003582. Disease mechanism: loss of function.
Hereditary cancer-predisposing syndrome. Also called: Hereditary Cancer Syndrome; Tumor predisposition; Neoplastic Syndromes, Hereditary; Hereditary neoplastic syndrome. Identifiers: Orphanet 140162, MedGen C0027672, MeSH D009386, MONDO:0015356.
Familial cancer of breast. Also called: Hereditary breast cancer; BREAST CANCER, FAMILIAL; hereditary breast carcinoma. Identifiers: Orphanet 227535, MedGen C0346153, MONDO:0016419, OMIM 114480. Disease mechanism: loss of function.
Fanconi anemia complementation group J. Also called: BRIP1-Related Fanconi Anemia. Identifiers: Orphanet 84, MedGen C1836860, MONDO:0012187, OMIM 609054.

Submissions (4):

Labcorp Genetics (formerly Invitae), Labcorp
Classification: Pathogenic for Familial cancer of breast; Fanconi anemia complementation group J. Last evaluated: 2026-01-20. Review status: criteria provided, single submitter. Criteria: Invitae Variant Classification Sherloc (09022015). Collection method: clinical testing. Allele origin: germline.
Comment: This sequence change creates a premature translational stop signal (p.Lys222*) in the BRIP1 gene. It is expected to result in an absent or disrupted protein product. Loss-of-function variants in BRIP1 are known to be pathogenic (PMID: 16116423, 17033622, 21964575). This variant is not present in population databases (gnomAD no frequency). This variant has not been reported in the literature in individuals affected with BRIP1-related conditions. ClinVar contains an entry for this variant (Variation ID: 826532). For these reasons, this variant has been classified as Pathogenic.

Women's Health and Genetics/Laboratory Corporation of America, LabCorp
Classification: Likely pathogenic for Hereditary breast ovarian cancer syndrome. Last evaluated: 2022-04-15. Review status: criteria provided, single submitter. Criteria: LabCorp Variant Classification Summary - May 2015. Collection method: clinical testing. Allele origin: germline.
Comment: Variant summary: BRIP1 c.664A>T (p.Lys222X) results in a premature termination codon, predicted to cause a truncation of the encoded protein or absence of the protein due to nonsense mediated decay, which are commonly known mechanisms for disease. Truncations downstream of this position have been classified as pathogenic by our laboratory. The variant was absent in 250668 control chromosomes. To our knowledge, no occurrence of c.664A>T in individuals affected with Hereditary Breast And Ovarian Cancer Syndrome and no experimental evidence demonstrating its impact on protein function have been reported. Two clinical diagnostic laboratories have submitted clinical-significance assessments for this variant to ClinVar after 2014 without evidence for independent evaluation. All laboratories classified the variant as pathogenic. Based on the evidence outlined above, the variant was classified as likely pathogenic.

Ambry Genetics
Classification: Pathogenic for Hereditary cancer-predisposing syndrome. Last evaluated: 2018-08-23. Review status: criteria provided, single submitter. Criteria: Ambry Variant Classification Scheme 2023. Collection method: clinical testing. Allele origin: germline.
Comment: The p.K222* pathogenic mutation (also known as c.664A>T), located in coding exon 6 of the BRIP1 gene, results from an A to T substitution at nucleotide position 664. This changes the amino acid from a lysine to a stop codon within coding exon 6. This alteration is expected to result in loss of function by premature protein truncation or nonsense-mediated mRNA decay. As such, this alteration is interpreted as a disease-causing mutation.

Juno Genomics, Hangzhou Juno Genomics, Inc
Classification: Likely pathogenic for Familial cancer of breast. Review status: criteria provided, single submitter. Criteria: ACMG Guidelines, 2015. Collection method: clinical testing. Allele origin: germline.
Comment: Absent from controls (or at extremely low frequency if recessive) in Genome Aggregation Database.;Null variant in a gene where loss of function (LOF) is a known mechanism of disease.

Literature cited by the submitters: PubMed 16116423 (cited by Labcorp Genetics (formerly Invitae), Labcorp); PubMed 17033622 (cited by Labcorp Genetics (formerly Invitae), Labcorp); PubMed 21964575 (cited by Labcorp Genetics (formerly Invitae), Labcorp).